The following is an entry in ClinVar:

NM_002354.2(EPCAM):c.859-?_*415+?dup

Gene: EPCAM (epithelial cell adhesion molecule; plus strand).
Variant type: Duplication.
Coding change: c.859-?_*415+?dup on transcript NM_002354.2.
Other names: c.859-?_*415+?dup (LRG_215t1).
Identifiers: ClinVar variation 239143 (VCV000239143.1).

ClinVar aggregate classification (germline): Uncertain significance (1 of 4 stars; one submission).

Conditions:
Lynch syndrome. Identifiers: Orphanet 144, MedGen C4552100, MONDO:0005835. Disease mechanism: loss of function.

Submission:

Labcorp Genetics (formerly Invitae), Labcorp
Classification: Uncertain significance for Hereditary nonpolyposis colorectal neoplasms. Last evaluated: 2016-02-25. Review status: criteria provided, single submitter. Criteria: Invitae Variant Classification Sherloc (09022015). Collection method: clinical testing. Allele origin: germline.
Comment: This variant is a gross duplication of the genomic region encompassing exons 8-9 of the EPCAM gene. The 5' boundary is likely confined to intron 7 but the 3' end of this event is unknown as it extends beyond the assayed region for this gene. This variant has not been reported in the literature in individuals with an EPCAM-related disease. In summary, this is a novel duplication with uncertain impact on protein function. It has been classified as a Variant of Uncertain Significance.